The following is an entry in ClinVar:

NM_000038.6(APC):c.6732T>A (p.Ser2244Arg)

Gene: APC (APC regulator of Wnt signaling pathway; plus strand). Cytogenetic location: 5q22.2.
Variant type: single nucleotide variant.
Coding change: c.6732T>A on transcript NM_000038.6 (MANE Select); coding-DNA position 6732, T replaced by A.
Protein change: p.Ser2244Arg; replaces serine 2244 with arginine.
Molecular consequence: missense variant. On other transcripts: non-coding transcript variant (2).
Genome position (GRCh38, 1-based): chr5:112,842,326, T>A. VCF-style: chr5-112842326-T-A. GRCh37 (hg19) VCF-style: chr5-112178023-T-A.
Other names: c.6786T>A, p.Ser2262Arg (NM_001407447.1, NM_001407448.1, NM_001407449.1 and 1 more transcripts); c.6732T>A, p.Ser2244Arg (NM_001407450.1, NM_001127510.3, NM_001354895.2); c.6711T>A, p.Ser2237Arg (NM_001407451.1); c.6702T>A, p.Ser2234Arg (NM_001407452.1); c.6555T>A, p.Ser2185Arg (NM_001407453.1, NM_001354901.2); c.6483T>A, p.Ser2161Arg (NM_001407454.1, NM_001407455.1, NM_001407456.1 and 1 more transcripts); c.6429T>A, p.Ser2143Arg (NM_001407458.1, NM_001407459.1, NM_001407460.1 and 1 more transcripts); c.6345T>A, p.Ser2115Arg (NM_001407467.1, NM_001407469.1); and 11 more; short protein forms S1860R, S2084R, S2118R, S2226R, S2244R, S1961R, S2185R, S2216R.
Identifiers: ClinVar variation 5025873 (VCV005025873.1).

ClinVar aggregate classification (germline): Uncertain significance (1 of 4 stars; one submission).

Conditions:
Hereditary cancer-predisposing syndrome. Also called: Neoplastic Syndromes, Hereditary; Tumor predisposition; Hereditary neoplastic syndrome; Hereditary Cancer Syndrome. Identifiers: Orphanet 140162, MedGen C0027672, MeSH D009386, MONDO:0015356.

Submission:

Ambry Genetics
Classification: Uncertain significance for Hereditary cancer-predisposing syndrome. Last evaluated: 2026-08-22. Review status: criteria provided, single submitter. Criteria: Ambry Variant Classification Scheme 2023. Collection method: clinical testing. Allele origin: germline.
Comment: The p.S2244R variant (also known as c.6732T>A), located in coding exon 15 of the APC gene, results from a T to A substitution at nucleotide position 6732. The serine at codon 2244 is replaced by arginine, an amino acid with dissimilar properties. This amino acid position is conserved. In addition, in silico predictors for this gene do not accurately predict pathogenicity. Based on the available evidence, the clinical significance of this variant remains unclear.